The following is an entry in ClinVar:

NM_005027.4(PIK3R2):c.160G>A (p.Val54Met)

Gene: PIK3R2 (phosphoinositide-3-kinase regulatory subunit 2; plus strand). Cytogenetic location: 19p13.11.
Variant type: single nucleotide variant.
Coding change: c.160G>A on transcript NM_005027.4 (MANE Select); coding-DNA position 160, G replaced by A.
Protein change: p.Val54Met; replaces valine 54 with methionine.
Molecular consequence: missense variant. On other transcripts: non-coding transcript variant (2).
Genome position (GRCh38, 1-based): chr19:18,156,039, G>A. VCF-style: chr19-18156039-G-A. GRCh37 (hg19) VCF-style: chr19-18266849-G-A.
Other names: NM_005027.4(PIK3R2):c.160G>A; p.Val54Met; c.160G>A, p.Val54Met (LRG_1392t1); short protein forms V54M.
Identifiers: ClinVar variation 468317 (VCV000468317.49), dbSNP rs201370957, ClinGen allele CA9306657.
Genomic context (GRCh38, chr19:18,156,039, plus strand): 5'-AGCCGGGCGGCCTTGCAGGCGCTGGGCGTGGCCGAGGGTGGCGAGCGCTGCCCACAGAGC[G>A]TGGGCTGGATGCCCGGCCTCAACGAGCGCACACGGCAGCGAGGTGACTTCCCTGGCACCT-3'
Protein context (NP_005018.2, residues 44-64): AEGGERCPQS[Val54Met]GWMPGLNERT

ClinVar aggregate classification (germline): Benign. Review status: reviewed by expert panel (3 of 4 stars). 10 submissions from 10 submitters: Benign (1). 9 of the submissions do not count toward it. Last evaluated 2022-02-11.

Conditions:
PIK3R2-related disorder. Also called: PIK3R2-related condition.
Overgrowth syndrome and/or cerebral malformations due to abnormalities in MTOR pathway genes. Identifiers: MedGen CN300503, MONDO:0100283.
Megalencephaly-polymicrogyria-postaxial polydactyly-hydrocephalus syndrome. Also called: MEG-PMG-MEGACC SYNDROME; MPPH Syndrome. Identifiers: Orphanet 83473, MedGen C1863924, MONDO:0019375.
Inborn genetic diseases. Identifiers: MedGen C0950123, MeSH D030342.

Allele frequency attached by ClinVar (database versions not stated): 1000 Genomes Project 30x 0.00078; 1000 Genomes Project 0.00080; gnomAD exomes 0.00203 and 0.00401; TOPMed 0.00220; gnomAD 0.00233 and 0.00242; ESP Exome Variant Server 0.00312; ExAC 0.00367.
gnomAD v4.1: 5,910 of 1,561,330 alleles (0.38%); highest among the groups gnomAD compares: Non-Finnish European, 0.48%; 18 homozygotes.

Submissions (10):

ClinGen Brain Malformations Variant Curation Expert Panel
Classification: Benign for Overgrowth syndrome and/or cerebral malformations due to abnormalities in MTOR pathway genes. Last evaluated: 2022-02-11. Review status: reviewed by expert panel. Criteria: ClinGen BrainMalform ACMG Specifications v1. Collection method: curation. Allele origin: germline. Inheritance: Autosomal dominant inheritance.
Comment: The c.160G>A (NM_005027.4) variant in PIK3R2 is a missense variant predicted to cause substitution of (p.Val54Met). The highest population minor allele frequency in gnomAD v2.1.1 is 0.004092 in the European (non Finnish) population, which is higher than the ClinGen BMEP threshold ([>=0.00185]) for BA1, and therefore meets this criterion (BA1). In summary, this variant meets the criteria to be classified as Benign for mosaic autosomal dominant overgrowth with or without cerebral malformations due to abnormalities in MTOR-pathway genes based on the ACMG/AMP criteria applied, as specified by the ClinGen Brain Malformations Expert Panel: BA1; -8 points (VCEP specifications version 1; Approved: 1/31/2021)

CeGaT Center for Human Genetics Tuebingen
Classification: Benign. Last evaluated: 2026-08-01. Review status: criteria provided, single submitter. Criteria: CeGaT Center For Human Genetics Tuebingen Variant Classification Criteria Version 2. Collection method: clinical testing. Allele origin: germline. Affected: yes. Observed: 23 variant alleles. Not counted in ClinVar's aggregate classification.
Comment: PIK3R2: BS1, BS2

Ambry Genetics
Classification: Likely benign for Inborn genetic diseases. Last evaluated: 2026-05-26. Review status: criteria provided, single submitter. Criteria: Ambry Variant Classification Scheme 2023. Collection method: clinical testing. Allele origin: germline. Not counted in ClinVar's aggregate classification.

Labcorp Genetics (formerly Invitae), Labcorp
Classification: Benign for Megalencephaly-polymicrogyria-postaxial polydactyly-hydrocephalus syndrome. Last evaluated: 2026-01-25. Review status: criteria provided, single submitter. Criteria: Invitae Variant Classification Sherloc (09022015). Collection method: clinical testing. Allele origin: germline. Not counted in ClinVar's aggregate classification.

Blueprint Genetics
Classification: Likely benign. Last evaluated: 2024-11-22. Review status: criteria provided, single submitter. Criteria: ACMG Guidelines, 2015. Collection method: clinical testing. Allele origin: germline. Not counted in ClinVar's aggregate classification.

Institute for Clinical Genetics, University Hospital TU Dresden, University Hospital TU Dresden
Classification: Uncertain significance. Last evaluated: 2021-11-03. Review status: criteria provided, single submitter. Criteria: ACMG Guidelines, 2015. Collection method: clinical testing. Allele origin: germline. Not counted in ClinVar's aggregate classification.

GeneDx
Classification: Benign. Last evaluated: 2018-10-30. Review status: criteria provided, single submitter. Criteria: GeneDx Variant Classification Process June 2021. Collection method: clinical testing. Allele origin: germline. Affected: yes. Not counted in ClinVar's aggregate classification.

PreventionGenetics, part of Exact Sciences
Classification: Benign for PIK3R2-related condition. Last evaluated: 2021-06-28. Review status: no assertion criteria provided. Collection method: clinical testing. Allele origin: germline. Not counted in ClinVar's aggregate classification.
Comment: This variant is classified as benign based on ACMG/AMP sequence variant interpretation guidelines (Richards et al. 2015 PMID: 25741868, with internal and published modifications).

Clinical Genetics, Academic Medical Center
Classification: Benign. Review status: no assertion criteria provided. Collection method: clinical testing. Allele origin: germline. Affected: yes. Study: VKGL Data-share Consensus. Not counted in ClinVar's aggregate classification.

Laboratory of Diagnostic Genome Analysis, Leiden University Medical Center (LUMC)
Classification: Likely benign. Review status: no assertion criteria provided. Collection method: clinical testing. Allele origin: germline. Affected: yes. Study: VKGL Data-share Consensus. Not counted in ClinVar's aggregate classification.